The following is an entry in ClinVar:

NM_001035.3(RYR2):c.14746G>A (p.Ala4916Thr)

Gene: RYR2 (ryanodine receptor 2; plus strand). Cytogenetic location: 1q43.
Variant type: single nucleotide variant.
Coding change: c.14746G>A on transcript NM_001035.3 (MANE Select); coding-DNA position 14746, G replaced by A.
Protein change: p.Ala4916Thr; replaces alanine 4916 with threonine.
Molecular consequence: missense variant.
Genome position (GRCh38, 1-based): chr1:237,830,620, G>A. VCF-style: chr1-237830620-G-A. GRCh37 (hg19) VCF-style: chr1-237993920-G-A.
Other names: short protein forms A4916T.
Identifiers: ClinVar variation 935944 (VCV000935944.11), dbSNP rs1663665510, ClinGen allele CA345409833.

ClinVar aggregate classification (germline): Uncertain significance (1 of 4 stars; one submission).

Conditions:
Catecholaminergic polymorphic ventricular tachycardia 1. Also called: RYR2-Related Catecholaminergic Polymorphic Ventricular Tachycardia; VENTRICULAR TACHYCARDIA, CATECHOLAMINERGIC POLYMORPHIC, 1, WITH OR WITHOUT ATRIAL DYSFUNCTION AND/OR DILATED CARDIOMYOPATHY; VENTRICULAR TACHYCARDIA, STRESS-INDUCED POLYMORPHIC 1. Identifiers: Orphanet 3286, MedGen C1631597, MONDO:0011484, OMIM 604772.

Submission:

Labcorp Genetics (formerly Invitae), Labcorp
Classification: Uncertain significance for Catecholaminergic polymorphic ventricular tachycardia 1. Last evaluated: 2019-08-24. Review status: criteria provided, single submitter. Criteria: Invitae Variant Classification Sherloc (09022015). Collection method: clinical testing. Allele origin: germline.
Comment: In summary, the available evidence is currently insufficient to determine the role of this variant in disease. Therefore, it has been classified as a Variant of Uncertain Significance. Algorithms developed to predict the effect of missense changes on protein structure and function are either unavailable or do not agree on the potential impact of this missense change (SIFT: "Deleterious"; PolyPhen-2: "Possibly Damaging"; Align-GVGD: "Class C0"). This variant has not been reported in the literature in individuals with RYR2-related conditions. This variant is not present in population databases (ExAC no frequency). This sequence change replaces alanine with threonine at codon 4916 of the RYR2 protein (p.Ala4916Thr). The alanine residue is highly conserved and there is a small physicochemical difference between alanine and threonine.